The following is an entry in ClinVar:

ClinVar aggregate classification (germline): not provided (0 of 4 stars; one submission).

Allele frequency attached by ClinVar (database versions not stated): gnomAD exomes 0.00081 and 0.00177; ExAC 0.00220; ESP Exome Variant Server 0.00684; gnomAD 0.00697 and 0.00741; TOPMed 0.00808; 1000 Genomes Project 0.00978; 1000 Genomes Project 30x 0.01077.
gnomAD v4.1: 2,304 of 1,614,104 alleles (0.14%); highest among the groups gnomAD compares: African/African-American, 2.3%; 22 homozygotes.

Submission:

ITMI
No classification provided. Condition: AllHighlyPenetrant. Last evaluated: 2013-09-19. Review status: no classification provided. Collection method: reference population. Allele origin: germline.
Comment: Please see associated publication for description of ethnicities

Literature cited by the submitters: PubMed 24728327.

NM_001077706.3(ECT2L):c.1780G>A (p.Ala594Thr)

Gene: ECT2L (epithelial cell transforming 2 like; plus strand). Cytogenetic location: 6q24.1.
Variant type: single nucleotide variant.
Coding change: c.1780G>A on transcript NM_001077706.3 (MANE Select); coding-DNA position 1780, G replaced by A.
Protein change: p.Ala594Thr; replaces alanine 594 with threonine.
Molecular consequence: missense variant.
Genome position (GRCh38, 1-based): chr6:138,881,071, G>A. VCF-style: chr6-138881071-G-A. GRCh37 (hg19) VCF-style: chr6-139202208-G-A.
Other names: c.1780G>A, p.Ala594Thr (NM_001195037.2); short protein forms A594T.
Identifiers: ClinVar variation 133995 (VCV000133995.1), dbSNP rs11968285, ClinGen allele CA158365.